The following is an entry in ClinVar:

ClinVar aggregate classification (germline): Pathogenic. Review status: criteria provided, multiple submitters, no conflicts (2 of 4 stars). 2 submissions from 2 submitters: Pathogenic (2). Last evaluated 2022-06-16.

Conditions:
Hereditary cancer-predisposing syndrome. Also called: Neoplastic Syndromes, Hereditary; Tumor predisposition; Hereditary neoplastic syndrome; Hereditary Cancer Syndrome. Identifiers: Orphanet 140162, MedGen C0027672, MeSH D009386, MONDO:0015356.
Peutz-Jeghers syndrome (PJS). Also called: POLYPOSIS, HAMARTOMATOUS INTESTINAL; POLYPS-AND-SPOTS SYNDROME; Peutz-Jeghers polyposis; Periorificial lentiginosis syndrome. Identifiers: Orphanet 2869, MedGen C0031269, MeSH D010580, MONDO:0008280, OMIM 175200.

Submissions (2):

Ambry Genetics
Classification: Pathogenic for Hereditary cancer-predisposing syndrome. Last evaluated: 2022-06-16. Review status: criteria provided, single submitter. Criteria: Ambry Variant Classification Scheme 2023. Collection method: clinical testing. Allele origin: germline.
Comment: The p.Y272* pathogenic mutation (also known as c.816C>A), located in coding exon 6 of the STK11 gene, results from a C to A substitution at nucleotide position 816. This changes the amino acid from a tyrosine to a stop codon within coding exon 6. This variant is considered to be rare based on population cohorts in the Genome Aggregation Database (gnomAD). This alteration is expected to result in loss of function by premature protein truncation or nonsense-mediated mRNA decay. As such, this alteration is interpreted as a disease-causing mutation.

Juno Genomics, Hangzhou Juno Genomics, Inc
Classification: Pathogenic for Peutz-Jeghers syndrome. Review status: criteria provided, single submitter. Criteria: ACMG Guidelines, 2015. Collection method: clinical testing. Allele origin: germline. Affected: yes.
Comment: Absent from controls (or at extremely low frequency if recessive) in Genome Aggregation Database, Exome Sequencing Project, 1000 Genomes Project, or Exome Aggregation Consortium.;Null variant in a gene where loss of function (LOF) is a known mechanism of disease.;The prevalence of the variant in affected individuals is significantly increased compared to the prevalence in controls.;Patient's phenotype or family history is highly specific for a disease with a single genetic etiology.

NM_000455.5(STK11):c.816C>A (p.Tyr272Ter)

Gene: STK11 (serine/threonine kinase 11; plus strand). Cytogenetic location: 19p13.3.
Variant type: single nucleotide variant.
Coding change: c.816C>A on transcript NM_000455.5 (MANE Select); coding-DNA position 816, C replaced by A.
Protein change: p.Tyr272Ter; replaces tyrosine 272 with a stop codon.
Molecular consequence: nonsense.
Genome position (GRCh38, 1-based): chr19:1,221,294, C>A. VCF-style: chr19-1221294-C-A. GRCh37 (hg19) VCF-style: chr19-1221293-C-A.
Other names: c.816C>A, p.Tyr272Ter (NM_001407255.1); short protein forms Y272*.
Identifiers: ClinVar variation 1762257 (VCV001762257.4), dbSNP rs9282859, ClinGen allele CA402950615.